The following is an entry in ClinVar:

NM_000550.3(TYRP1):c.721G>T (p.Glu241Ter)

Gene: TYRP1 (tyrosinase related protein 1; plus strand). Cytogenetic location: 9p23.
Variant type: single nucleotide variant.
Coding change: c.721G>T on transcript NM_000550.3 (MANE Select); coding-DNA position 721, G replaced by T.
Protein change: p.Glu241Ter; replaces glutamic acid 241 with a stop codon.
Molecular consequence: nonsense.
Genome position (GRCh38, 1-based): chr9:12,698,463, G>T. VCF-style: chr9-12698463-G-T. GRCh37 (hg19) VCF-style: chr9-12698463-G-T.
Other names: short protein forms E241*.
Identifiers: ClinVar variation 1325325 (VCV001325325.9), dbSNP rs1176553821, ClinGen allele CA372939274.
Genomic context (GRCh38, chr9:12,698,463, plus strand): 5'-TAATTGTAAACAGAAGCAGAGAGTATTAATGTGGTTTCTGTGATCTAGGAAATGTTGCAA[G>T]AGCCTTCTTTCTCCCTTCCTTACTGGAATTTTGCAACGGGGAAAAATGTCTGTGATATCT-3'

ClinVar aggregate classification (germline): Pathogenic/Likely pathogenic. Review status: criteria provided, multiple submitters, no conflicts (2 of 4 stars). 3 submissions from 3 submitters: Pathogenic (1); Likely pathogenic (2). Last evaluated 2025-01-01.

Conditions:
TYRP1-related disorder. Also called: TYRP1-related condition.

Allele frequency attached by ClinVar (database versions not stated): gnomAD exomes below 0.00001; gnomAD 0.00001; TOPMed 0.00001.
gnomAD v4.1: 2 of 1,613,476 alleles (0.00012%); highest among the groups gnomAD compares: African/African-American, 0.0027%; no homozygotes.

Submissions (3):

Labcorp Genetics (formerly Invitae), Labcorp
Classification: Pathogenic. Last evaluated: 2025-01-01. Review status: criteria provided, single submitter. Criteria: Invitae Variant Classification Sherloc (09022015). Collection method: clinical testing. Allele origin: germline.
Comment: This sequence change creates a premature translational stop signal (p.Glu241*) in the TYRP1 gene. It is expected to result in an absent or disrupted protein product. Loss-of-function variants in TYRP1 are known to be pathogenic (PMID: 8651291, 9345097). This variant is not present in population databases (gnomAD no frequency). This variant has not been reported in the literature in individuals affected with TYRP1-related conditions. ClinVar contains an entry for this variant (Variation ID: 1325325). Algorithms developed to predict the effect of sequence changes on RNA splicing suggest that this variant may disrupt the consensus splice site. For these reasons, this variant has been classified as Pathogenic.

Blueprint Genetics
Classification: Likely pathogenic for TYRP1-related disorders. Last evaluated: 2023-04-04. Review status: criteria provided, single submitter. Criteria: ACMG Guidelines, 2015. Collection method: clinical testing. Allele origin: germline. Affected: yes. Observed: 3 variant alleles.

Revvity Omics, Revvity
Classification: Likely pathogenic. Last evaluated: 2021-04-05. Review status: criteria provided, single submitter. Criteria: ACMG Guidelines, 2015. Collection method: clinical testing. Allele origin: germline.

Literature cited by the submitters: PubMed 8651291 (cited by Labcorp Genetics (formerly Invitae), Labcorp); PubMed 9345097 (cited by Labcorp Genetics (formerly Invitae), Labcorp).